The following is an entry in ClinVar:

ClinVar aggregate classification (germline): Likely pathogenic. Review status: reviewed by expert panel (3 of 4 stars). 5 submissions from 5 submitters: Likely pathogenic (1). 4 of the submissions do not count toward it. Last evaluated 2023-04-17.

Conditions:
Primary Mitochondrial Disorders. Identifiers: MedGen CN381104.
Mitochondrial disease. Also called: Mitochondrial disorder; Mitochondrial disorders. Identifiers: Orphanet 68380, MedGen C0751651, MeSH D028361, MONDO:0044970.
MELAS syndrome (MELAS). Also called: Juvenile myopathy, encephalopathy, lactic acidosis, stroke. Identifiers: Orphanet 550, MedGen C0162671, MONDO:0010789, OMIM 540000.
Exercise intolerance, muscle pain, and lactic acidemia. Identifiers: MedGen C4016627.
Mitochondrial complex IV deficiency, nuclear type 1 (MC4DN1). Also called: COX DEFICIENCY; Mitochondrial complex IV deficiency; Complex 4 mitochondrial respiratory chain deficiency; Deficiency of mitochondrial respiratory chain complex4; Complex IV deficiency. Identifiers: MedGen C5435656, MONDO:0700250, OMIM 220110. Disease mechanism: loss of function.

Submissions (5):

ClinGen Mitochondrial Disease Nuclear and Mitochondrial  Variant Curation Expert Panel, ClinGen
Classification: Likely pathogenic for Mitochondrial disease. Last evaluated: 2023-04-17. Review status: reviewed by expert panel. Criteria: McCormick et al. (Hum Mutat. 2020). Collection method: curation. Allele origin: germline. Inheritance: Mitochondrial inheritance.
Comment: The m.7497G>A variant in MT-TS1 has been reported in three unrelated individuals with primary mitochondrial disease with shared features of exercise intolerance, proximal myopathy, lactic acidosis, and myalgia. Age at presentation ranged from three years old to the 30s. Muscle biopsies showed ragged red fibers, COX-negative fibers, and reduced activities of complexes I and IV. All probands were homoplasmic for the variant in muscle and it was present in various other tissues at levels >90%. (PS4_supporting; PMIDs: 14605505, 9778262). This variant segregated with disease in each of the three families reported (PP1_moderate). The probands were homoplasmic for the variant muscle and/or blood. In one family, the unaffected mother harbored the variant at 10% in blood (PMID: 14605505). In the second family, the unaffected mother harbored the variant at 62% and the unaffected brother had the variant at 62% in blood (PMID: 9778262). In the third family, an affected daughter with myalgia had the variant at 90% in blood and an unaffected brother has the variant at 70% (PMID: 9778262). There are no reported de novo occurrences of this variant to our knowledge. The computational predictor MitoTIP suggests this variant is pathogenic (92.9 percentile) and HmtVAR predicts it to be pathogenic score of 0.5 (PP3). This variant is absent in the GenBank dataset, Helix dataset, and gnomAD v3.1.2 (PM2_supporting). Cybrid studies showed a correlation between higher heteroplasmy level and lower complex I and IV activities (PS3_supporting, PMID: 16199753). In summary, this variant meets criteria to be classified as likely pathogenic for primary mitochondrial disease inherited in a mitochondrial manner. This classification was approved by the NICHD/NINDS U24 ClinGen Mitochondrial Disease Variant Curation Expert Panel on April 17, 2023. Mitochondrial DNA-specific ACMG/AMP criteria applied (PMID: 32906214): PS4_supporting, PP1_moderate, PS3_supporting, PM2_supporting, PP3.

Variantyx, Inc.
Classification: Likely pathogenic for Primary mitochondrial disorders. Last evaluated: 2026-01-08. Review status: criteria provided, single submitter. Criteria: Variantyx Assertion Criteria 2022. Collection method: clinical testing. Allele origin: germline. Not counted in ClinVar's aggregate classification.
Comment: The m.7497G>A change is a variant in the MT-TS1 gene which encodes the mitochondrial transfer RNA for serine. Pathogenic variants in this gene have been associated with primary mitochondrial disorders. This variant has been reported in at least 3 unrelated affected individual(s) from different top-level haplogroups (PMID: 14605505, 9778262) (PS4). This variant has been observed to segregate with disease in at least 2 individuals from 1 family; unaffected family members may have lower to undetectable levels of the variant (PMID: 9778262) (PP1_Moderate). Functional studies show a deleterious effect for this variant (PMID: 16199753, 9778262) (PS3) and computational algorithms support a deleterious effect on the gene or gene product (Aggregate Predicted Severity Score: 1) (PP3). This variant is absent from control populations (PM2). Other reputable laboratories have reported this variant as pathogenic or likely pathogenic, and this classification has been validated by an expert panel in ClinVar (PP5). Based on the current evidence, this variant is classified as likely pathogenic for primary mitochondrial disorders.In general, the clinical presentation associated with pathogenic mitochondrial variants depends on tissue distribution and the percentage of heteroplasmy. Heteroplasmy levels may be elevated significantly in different tissue types, such as the central nervous system, striated muscle, kidneys, eyes, liver, and endocrine system (PMID: 33814365, 24846800).

Mendelics
Classification: Pathogenic for Mitochondrial complex IV deficiency, nuclear type 1. Last evaluated: 2022-05-04. Review status: criteria provided, single submitter. Criteria: Mendelics Assertion Criteria 2019. Collection method: clinical testing. Allele origin: germline. Not counted in ClinVar's aggregate classification.

Wong Mito Lab, Molecular and Human Genetics, Baylor College of Medicine
Classification: Pathogenic for MELAS syndrome. Last evaluated: 2019-07-12. Review status: criteria provided, single submitter. Criteria: Modified ACMG Guidelines (Unpublished). Collection method: clinical testing. Allele origin: germline. Not counted in ClinVar's aggregate classification.
Comment: The NC_012920.1:m.7497G>A variant in MT-TS1 gene is interpreted to be a Pathogenic variant based on the modified ACMG guidelines (unpublished). This variant meets the following evidence codes reported in the guidelines: PS3, PS5, PM7

OMIM
Classification: Pathogenic for EXERCISE INTOLERANCE, MUSCLE PAIN, AND LACTIC ACIDEMIA. Last evaluated: 2003-01-01. Review status: no assertion criteria provided. Collection method: literature only. Allele origin: germline. Not counted in ClinVar's aggregate classification.

Literature cited by the submitters: PubMed 16199753 (cited by ClinGen Mitochondrial Disease Nuclear and Mitochondrial  Variant Curation Expert Panel, ClinGen and Wong Mito Lab, Molecular and Human Genetics, Baylor College of Medicine); PubMed 31965079 (cited by Wong Mito Lab, Molecular and Human Genetics, Baylor College of Medicine); PubMed 9778262 (cited by Wong Mito Lab, Molecular and Human Genetics, Baylor College of Medicine); PubMed 14605505 (cited by Wong Mito Lab, Molecular and Human Genetics, Baylor College of Medicine and OMIM); PubMed 20064630 (cited by Wong Mito Lab, Molecular and Human Genetics, Baylor College of Medicine).

NC_012920.1(MT-TS1):m.7497G>A

Gene: MT-TS1 (mitochondrially encoded tRNA serine 1 (UCN); minus strand).
Variant type: single nucleotide variant.
Genome position: chrM-7497-G-A.
Other names: 7497G-A.
Identifiers: ClinVar variation 9569 (VCV000009569.6), dbSNP rs387906419, ClinGen allele CA120548.